The following is an entry in ClinVar:

NM_144997.7(FLCN):c.-5G>T

Gene: FLCN (folliculin; minus strand). Cytogenetic location: 17p11.2.
Variant type: single nucleotide variant.
Coding change: c.-5G>T on transcript NM_144997.7 (MANE Select); 5 bases upstream of the start codon, G replaced by T.
Molecular consequence: 5 prime UTR variant.
Genome position (GRCh38, 1-based): chr17:17,228,142, C>A on the plus strand (G>T on the coding strand, the complement: FLCN is on the minus strand). VCF-style: chr17-17228142-C-A. GRCh37 (hg19) VCF-style: chr17-17131456-C-A.
Other names: c.-5G>T (NM_001353229.2, NM_001353230.2, NM_001353231.2 and 1 more transcripts).
Identifiers: ClinVar variation 3515613 (VCV003515613.1).

ClinVar aggregate classification (germline): Uncertain significance (1 of 4 stars; one submission).

Conditions:
Hereditary cancer-predisposing syndrome. Also called: Tumor predisposition; Neoplastic Syndromes, Hereditary; Hereditary Cancer Syndrome; Hereditary neoplastic syndrome. Identifiers: Orphanet 140162, MedGen C0027672, MeSH D009386, MONDO:0015356.

Submission:

Ambry Genetics
Classification: Uncertain significance for Hereditary cancer-predisposing syndrome. Last evaluated: 2024-10-24. Review status: criteria provided, single submitter. Criteria: Ambry Variant Classification Scheme 2023. Collection method: clinical testing. Allele origin: germline.
Comment: The c.-5G>T variant is located in the 5' untranslated region (5&rsquo; UTR) of the FLCN gene. This variant results from a G to T substitution 5 bases upstream from the first translated codon. This nucleotide position is not well conserved in available vertebrate species. Based on the available evidence, the clinical significance of this variant remains unclear.